The following is an entry in ClinVar:

NM_000431.4(MVK):c.441C>T (p.Ala147=)

Gene: MVK (mevalonate kinase; plus strand). Cytogenetic location: 12q24.11.
Variant type: single nucleotide variant.
Coding change: c.441C>T on transcript NM_000431.4 (MANE Select); coding-DNA position 441, C replaced by T.
Protein change: p.Ala147=; no amino-acid change (alanine 147 retained).
Molecular consequence: synonymous variant. On other transcripts: intron variant (1).
Genome position (GRCh38, 1-based): chr12:109,581,464, C>T. VCF-style: chr12-109581464-C-T. GRCh37 (hg19) VCF-style: chr12-110019269-C-T.
Other names: p.A147A:GCC>GCT; p.Ala147=; c.441C>T (LRG_156t1); c.441C>T, p.Ala147= (NM_001114185.3); c.371+1518C>T (NM_001301182.2).
Identifiers: ClinVar variation 138314 (VCV000138314.62), dbSNP rs138342076, ClinGen allele CA292256.

ClinVar aggregate classification (germline): Conflicting classifications of pathogenicity. Review status: criteria provided, conflicting classifications (1 of 4 stars). 13 submissions from 12 submitters: Uncertain significance (4); Benign (1); Likely benign (5). 3 of the submissions do not count toward it. Last evaluated 2026-06-01.

Conditions:
Autoinflammatory syndrome. Identifiers: Orphanet 93665, MedGen C3890737, MONDO:0019751.
Porokeratosis 3, disseminated superficial actinic type (POROK3). Also called: POROKERATOSIS 3, MULTIPLE TYPES; POROKERATOSIS 3, MIBELLI TYPE; POROKERATOSIS, DISSEMINATED SUPERFICIAL ACTINIC, 1. Identifiers: MedGen C1867981, MONDO:0008293, OMIM 175900.
Mevalonic aciduria (MEVA). Identifiers: Orphanet 29, MedGen C1959626, MONDO:0012481, OMIM 610377.
Hyperimmunoglobulin D with periodic fever (HIDS). Also called: Hyperimmunoglobulinemia D; Hyperimmunoglobulinemia D with periodic fever; HYPERIMMUNOGLOBULINEMIA D AND PERIODIC FEVER SYNDROME. Identifiers: Orphanet 343, MedGen C0398691, MONDO:0009849, OMIM 260920.

Allele frequency attached by ClinVar (database versions not stated): 1000 Genomes Project 0.00020; 1000 Genomes Project 30x 0.00031; ExAC 0.00033; gnomAD exomes 0.00039 and 0.00075; TOPMed 0.00053; gnomAD 0.00058 and 0.00059; ESP Exome Variant Server 0.00069.
gnomAD v4.1: 1,243 of 1,614,168 alleles (0.077%); highest among the groups gnomAD compares: Non-Finnish European, 0.089%; no homozygotes.

Submissions (13):

CeGaT Center for Human Genetics Tuebingen
Classification: Likely benign. Last evaluated: 2026-06-01. Review status: criteria provided, single submitter. Criteria: CeGaT Center For Human Genetics Tuebingen Variant Classification Criteria Version 2. Collection method: clinical testing. Allele origin: germline. Affected: yes. Observed: 9 variant alleles.
Comment: MVK: BP4, BP7

Labcorp Genetics (formerly Invitae), Labcorp
Classification: Likely benign for Mevalonic aciduria; Hyperimmunoglobulin D with periodic fever; Porokeratosis 3, disseminated superficial actinic type. Last evaluated: 2026-02-03. Review status: criteria provided, single submitter. Criteria: Invitae Variant Classification Sherloc (09022015). Collection method: clinical testing. Allele origin: germline.

Mayo Clinic Laboratories, Mayo Clinic
Classification: Likely benign. Last evaluated: 2025-07-08. Review status: criteria provided, single submitter. Criteria: ACMG Guidelines, 2015. Collection method: clinical testing. Allele origin: germline. Observed: 2 variant alleles.
Comment: BP4, BP7

Blueprint Genetics
Classification: Likely benign. Last evaluated: 2024-11-14. Review status: criteria provided, single submitter. Criteria: ACMG Guidelines, 2015. Collection method: clinical testing. Allele origin: germline.

ARUP Laboratories, Molecular Genetics and Genomics, ARUP Laboratories
Classification: Likely benign. Last evaluated: 2023-11-22. Review status: criteria provided, single submitter. Criteria: ARUP Molecular Germline Variant Investigation Process 2024. Collection method: clinical testing. Allele origin: germline.

Genome Diagnostics Laboratory, The Hospital for Sick Children
Classification: Uncertain significance for Autoinflammatory syndrome. Last evaluated: 2021-04-07. Review status: criteria provided, single submitter. Criteria: ACMG Guidelines, 2015. Collection method: clinical testing. Allele origin: germline. Affected: yes.

Eurofins Ntd Llc (ga)
Classification: Uncertain significance. Last evaluated: 2018-08-20. Review status: criteria provided, single submitter. Criteria: EGL ClinVar v180209 classification definitions. Collection method: clinical testing. Allele origin: germline. Observed: 2 variant alleles, 2 heterozygotes.

Illumina Laboratory Services, Illumina
Classification: Uncertain significance for Mevalonic aciduria. Last evaluated: 2018-01-13. Review status: criteria provided, single submitter. Criteria: ICSL Variant Classification Criteria 13 December 2019. Collection method: clinical testing. Allele origin: germline.

Illumina Laboratory Services, Illumina
Classification: Uncertain significance for Hyperimmunoglobulin D with periodic fever. Last evaluated: 2018-01-13. Review status: criteria provided, single submitter. Criteria: ICSL Variant Classification Criteria 13 December 2019. Collection method: clinical testing. Allele origin: germline.

GeneDx
Classification: Benign. Last evaluated: 2013-06-11. Review status: criteria provided, single submitter. Criteria: GeneDx Variant Classification (06012015). Collection method: clinical testing. Allele origin: germline. Affected: yes.
Comment: This variant is considered likely benign or benign based on one or more of the following criteria: it is a conservative change, it occurs at a poorly conserved position in the protein, it is predicted to be benign by multiple in silico algorithms, and/or has population frequency not consistent with disease.

Clinical Genetics DNA and cytogenetics Diagnostics Lab, Erasmus MC, Erasmus Medical Center
Classification: Likely benign. Review status: no assertion criteria provided. Collection method: clinical testing. Allele origin: germline. Affected: yes. Study: VKGL Data-share Consensus. Not counted in ClinVar's aggregate classification.

Clinical Genetics, Academic Medical Center
Classification: Benign. Review status: no assertion criteria provided. Collection method: clinical testing. Allele origin: germline. Affected: yes. Study: VKGL Data-share Consensus. Not counted in ClinVar's aggregate classification.

Genome Diagnostics Laboratory, University Medical Center Utrecht
Classification: Likely benign. Review status: no assertion criteria provided. Collection method: clinical testing. Allele origin: germline. Affected: yes. Study: VKGL Data-share Consensus. Not counted in ClinVar's aggregate classification.